The following is an entry in ClinVar:

ClinVar aggregate classification (germline): Likely benign (1 of 4 stars; one submission).

gnomAD v4.1: 973 of 1,575,448 alleles (0.062%); highest among the groups gnomAD compares: African/African-American, 0.59%; 1 homozygote.

Submission:

CeGaT Center for Human Genetics Tuebingen
Classification: Likely benign. Last evaluated: 2026-04-01. Review status: criteria provided, single submitter. Criteria: CeGaT Center For Human Genetics Tuebingen Variant Classification Criteria Version 2. Collection method: clinical testing. Allele origin: germline. Affected: yes. Observed: 2 variant alleles.
Comment: ZBTB11: BP4

NM_014415.4(ZBTB11):c.546+27A>C

Gene: ZBTB11 (zinc finger and BTB domain containing 11; minus strand). Cytogenetic location: 3q12.3.
Variant type: single nucleotide variant.
Coding change: c.546+27A>C on transcript NM_014415.4 (MANE Select); 27 bases into the intron after coding-DNA position 546, A replaced by C.
Molecular consequence: intron variant.
Genome position (GRCh38, 1-based): chr3:101,671,951, T>G on the plus strand (A>C on the coding strand, the complement: ZBTB11 is on the minus strand). VCF-style: chr3-101671951-T-G. GRCh37 (hg19) VCF-style: chr3-101390795-T-G.
Identifiers: ClinVar variation 4533765 (VCV004533765.6).